The following is an entry in ClinVar:

ClinVar aggregate classification (germline): Likely pathogenic (1 of 4 stars; one submission).

Conditions:
Stuve-Wiedemann syndrome (STWS). Also called: Stüve-Wiedemann syndrome. Identifiers: Orphanet 3206, MedGen C0796176, MONDO:0031280.

Submission:

Natera, Inc.
Classification: Likely pathogenic for Stuve-Wiedemann syndrome. Last evaluated: 2024-10-11. Review status: criteria provided, single submitter. Criteria: Natera Variant Classification Schema (03/2026). Collection method: clinical testing. Allele origin: germline.
Comment: The c.384_387del variant in LIFR is a frameshift variant predicted to shift the reading frame beginning at codon 129 and leads to a stop codon 5 codons downstream. This variant is expected to result in nonsense mediated decay, truncation, or a dysfunctional protein product. This variant is rare in the general population with a frequency below the threshold expected for the associated phenotype(s). Given the available evidence, this variant is classified as Likely Pathogenic.

NM_001127671.2(LIFR):c.384_387del (p.Glu129fs)

Gene: LIFR (LIF receptor subunit alpha; minus strand). Cytogenetic location: 5p13.1.
Variant type: Deletion.
Coding change: c.384_387del on transcript NM_001127671.2 (MANE Select); coding-DNA positions 384 to 387, 4 bases deleted (TGAA; older notation c.384_387delTGAA).
Protein change: p.Glu129fs; shifts the reading frame from glutamic acid 129.
Molecular consequence: frameshift variant.
Genome position (GRCh38, 1-based): chr5:38,527,165-38,527,168, TTCA deleted on the plus strand (TGAA on the coding strand, the reverse complement: LIFR is on the minus strand); deleting any 4 consecutive bases within chr5:38,527,165-38,527,170 gives the same sequence; the c. name uses the placement nearest the transcript's 3' end. VCF-style (leftmost placement, unchanged base first): chr5-38527164-GTTCA-G. GRCh37 (hg19) VCF-style: chr5-38527266-GTTCA-G.
Other names: c.384_387del, p.Glu129fs (NM_001364297.2, NM_001364298.2, NM_002310.6); short protein forms E129fs.
Identifiers: ClinVar variation 4815026 (VCV004815026.1).
Genomic context (GRCh38, chr5:38,527,164, plus strand): 5'-ACAAGTGACACTTGACTTACTTTAAAATTGAGTTTGTTTTCAAATACTTACAAACGTTTT[GTTCA>G]TTTAGTGTGAATTTACTTGTAGAACTTCCAAAATCATGTAGAGAATTTATTGTTATTTCA-3'